The following is an entry in ClinVar:

ClinVar aggregate classification (germline): Uncertain significance (1 of 4 stars; one submission).

Allele frequency attached by ClinVar (database versions not stated): gnomAD exomes below 0.00001.
gnomAD v4.1: 1 of 1,613,966 alleles (0.000062%); highest among the groups gnomAD compares: Non-Finnish European, 0.000085%; no homozygotes.

Submission:

Ambry Genetics
Classification: Uncertain significance. Last evaluated: 2022-05-02. Review status: criteria provided, single submitter. Criteria: Ambry Variant Classification Scheme 2023. Collection method: clinical testing. Allele origin: germline.
Comment: The p.N118Y variant (also known as c.352A>T), located in coding exon 4 of the RINT1 gene, results from an A to T substitution at nucleotide position 352. The asparagine at codon 118 is replaced by tyrosine, an amino acid with dissimilar properties. This amino acid position is conserved. In addition, this alteration is predicted to be tolerated by in silico analysis. Since supporting evidence is limited at this time, the clinical significance of this alteration remains unclear.

NM_021930.6(RINT1):c.352A>T (p.Asn118Tyr)

Gene: RINT1 (RAD50 interactor 1; plus strand). Cytogenetic location: 7q22.3.
Variant type: single nucleotide variant.
Coding change: c.352A>T on transcript NM_021930.6 (MANE Select); coding-DNA position 352, A replaced by T.
Protein change: p.Asn118Tyr; replaces asparagine 118 with tyrosine.
Molecular consequence: missense variant. On other transcripts: 5 prime UTR variant (3), non-coding transcript variant (1).
Genome position (GRCh38, 1-based): chr7:105,542,486, A>T. VCF-style: chr7-105542486-A-T. GRCh37 (hg19) VCF-style: chr7-105182933-A-T.
Other names: c.118A>T, p.Asn40Tyr (NM_001346599.2); c.-668A>T (NM_001346600.2); c.-571A>T (NM_001346601.2); c.-191A>T (NM_001346603.2); short protein forms N118Y, N40Y.
Identifiers: ClinVar variation 1732339 (VCV001732339.2), dbSNP rs2485112531, ClinGen allele CA368803164.